The following is an entry in ClinVar:

NM_032447.5(FBN3):c.2053G>A (p.Glu685Lys)

Gene: FBN3 (fibrillin 3; minus strand). Cytogenetic location: 19p13.2.
Variant type: single nucleotide variant.
Coding change: c.2053G>A on transcript NM_032447.5 (MANE Select); coding-DNA position 2053, G replaced by A.
Protein change: p.Glu685Lys; replaces glutamic acid 685 with lysine.
Molecular consequence: missense variant.
Genome position (GRCh38, 1-based): chr19:8,129,357, C>T on the plus strand (G>A on the coding strand, the complement: FBN3 is on the minus strand). VCF-style: chr19-8129357-C-T. GRCh37 (hg19) VCF-style: chr19-8194241-C-T.
Other names: c.2053G>A, p.Glu685Lys (NM_001321431.2); short protein forms E685K.
Identifiers: ClinVar variation 4693234 (VCV004693234.1).

ClinVar aggregate classification (germline): Uncertain significance (1 of 4 stars; one submission).

gnomAD v4.1: 3 of 1,613,954 alleles (0.00019%); highest among the groups gnomAD compares: Non-Finnish European, 0.00025%; no homozygotes.

Submission:

Labcorp Genetics (formerly Invitae), Labcorp
Classification: Uncertain significance. Last evaluated: 2025-06-24. Review status: criteria provided, single submitter. Criteria: Invitae Variant Classification Sherloc (09022015). Collection method: clinical testing. Allele origin: germline.
Comment: This sequence change replaces glutamic acid, which is acidic and polar, with lysine, which is basic and polar, at codon 685 of the FBN3 protein (p.Glu685Lys). This variant is present in population databases (no rsID available, gnomAD 0.0009%). This variant has not been reported in the literature in individuals affected with FBN3-related conditions. Invitae Evidence Modeling of protein sequence and biophysical properties (such as structural, functional, and spatial information, amino acid conservation, physicochemical variation, residue mobility, and thermodynamic stability) indicates that this missense variant is expected to disrupt FBN3 protein function with a positive predictive value of 80%. In summary, the available evidence is currently insufficient to determine the role of this variant in disease. Therefore, it has been classified as a Variant of Uncertain Significance.